The following is an entry in ClinVar:

NM_198578.4(LRRK2):c.2299C>T (p.Arg767Cys)

Gene: LRRK2 (leucine rich repeat kinase 2; plus strand). Cytogenetic location: 12q12.
Variant type: single nucleotide variant.
Coding change: c.2299C>T on transcript NM_198578.4 (MANE Select); coding-DNA position 2299, C replaced by T.
Protein change: p.Arg767Cys; replaces arginine 767 with cysteine.
Molecular consequence: missense variant.
Genome position (GRCh38, 1-based): chr12:40,283,932, C>T. VCF-style: chr12-40283932-C-T. GRCh37 (hg19) VCF-style: chr12-40677734-C-T.
Other names: short protein forms R767C.
Identifiers: ClinVar variation 2684261 (VCV002684261.7), dbSNP rs201823680, ClinGen allele CA6513610.

ClinVar aggregate classification (germline): Uncertain significance. Review status: criteria provided, multiple submitters, no conflicts (2 of 4 stars). 6 submissions from 6 submitters: Uncertain significance (6). Last evaluated 2026-06-30.

Conditions:
Autosomal dominant Parkinson disease 8. Also called: LRRK2-Related Parkinson Disease; Parkinson disease 8; Parkinson disease 8, susceptibility to. Identifiers: Orphanet 411602, MedGen C1846862, MONDO:0011764, OMIM 607060.
LRRK2-related disorder. Also called: LRRK2-related condition.

Allele frequency attached by ClinVar (database versions not stated): gnomAD 0.00004; TOPMed 0.00005; gnomAD exomes 0.00006; ExAC 0.00009.
gnomAD v4.1: 95 of 1,613,532 alleles (0.0059%); highest among the groups gnomAD compares: Non-Finnish European, 0.007%; no homozygotes.

Submissions (6):

GeneDx
Classification: Uncertain significance. Last evaluated: 2026-06-30. Review status: criteria provided, single submitter. Criteria: GeneDx Variant Classification Process June 2021. Collection method: clinical testing. Allele origin: germline.
Comment: Observed in cohorts of patients with Parkinson disease; however, no additional clinical and segregation details were provided (PMID: 37212361, 26213354); In silico analysis supports that this missense variant has a deleterious effect on protein structure/function; This variant is associated with the following publications: (PMID: 37212361, 26213354)

Labcorp Genetics (formerly Invitae), Labcorp
Classification: Uncertain significance for Autosomal dominant Parkinson disease 8. Last evaluated: 2025-11-25. Review status: criteria provided, single submitter. Criteria: Invitae Variant Classification Sherloc (09022015). Collection method: clinical testing. Allele origin: germline.
Comment: This sequence change replaces arginine, which is basic and polar, with cysteine, which is neutral and slightly polar, at codon 767 of the LRRK2 protein (p.Arg767Cys). This variant is present in population databases (rs201823680, gnomAD 0.01%). This missense change has been observed in individual(s) with Parkinson disease (PMID: 26213354). ClinVar contains an entry for this variant (Variation ID: 2684261). Invitae Evidence Modeling of protein sequence and biophysical properties (such as structural, functional, and spatial information, amino acid conservation, physicochemical variation, residue mobility, and thermodynamic stability) has been performed for this missense variant. However, the output from this modeling did not meet the statistical confidence thresholds required to predict the impact of this variant on LRRK2 protein function. In summary, the available evidence is currently insufficient to determine the role of this variant in disease. Therefore, it has been classified as a Variant of Uncertain Significance.

Women's Health and Genetics/Laboratory Corporation of America, LabCorp
Classification: Uncertain significance. Last evaluated: 2025-06-04. Review status: criteria provided, single submitter. Criteria: LabCorp Variant Classification Summary - May 2015. Collection method: clinical testing. Allele origin: germline.
Comment: Variant summary: LRRK2 c.2299C>T (p.Arg767Cys) results in a non-conservative amino acid change in the encoded protein sequence. Algorithms developed to predict the effect of missense changes on protein structure and function all suggest that this variant is likely to be disruptive. The variant allele was found at a frequency of 5.6e-05 in 251046 control chromosomes. This frequency is not significantly higher than estimated for a pathogenic variant in LRRK2 causing Autosomal dominant Parkinson disease 8 (5.6e-05 vs 0.0001), allowing no conclusion about variant significance. c.2299C>T has been observed in an individual affected with Autosomal dominant Parkinson disease 8 (Huttunen_2023). These report(s) do not provide unequivocal conclusions about association of the variant with Autosomal dominant Parkinson disease 8. To our knowledge, no experimental evidence demonstrating an impact on protein function has been reported. The following publication have been ascertained in the context of this evaluation (PMID: 37212361). ClinVar contains an entry for this variant (Variation ID: 2684261). Based on the evidence outlined above, the variant was classified as uncertain significance.

PreventionGenetics, part of Exact Sciences
Classification: Uncertain significance for LRRK2-related condition. Last evaluated: 2025-05-27. Review status: criteria provided, single submitter. Criteria: ACMG Guidelines, 2015. Collection method: clinical testing. Allele origin: germline.
Comment: The LRRK2 c.2299C>T variant is predicted to result in the amino acid substitution p.Arg767Cys. To our knowledge, this variant has not been reported in the literature. This variant is reported in 0.010% of alleles in individuals of European (Non-Finnish) descent in gnomAD. At this time, the clinical significance of this variant is uncertain due to the absence of conclusive functional and genetic evidence.

Athena Diagnostics
Classification: Uncertain significance. Last evaluated: 2022-11-04. Review status: criteria provided, single submitter. Criteria: Athena Diagnostics Criteria. Collection method: clinical testing. Allele origin: unknown.
Comment: Available data are insufficient to determine the clinical significance of the variant at this time. The frequency of this variant in the general population is higher than would generally be expected for pathogenic variants in this gene. Computational tools disagree on the variant's effect on normal protein function.

Blueprint Genetics
Classification: Uncertain significance. Last evaluated: 2022-06-14. Review status: criteria provided, single submitter. Criteria: ACMG Guidelines, 2015. Collection method: clinical testing. Allele origin: germline.

Literature cited by the submitters: PubMed 26213354 (cited by Labcorp Genetics (formerly Invitae), Labcorp); PubMed 37212361 (cited by Women's Health and Genetics/Laboratory Corporation of America, LabCorp).